The following is an entry in ClinVar:

ClinVar aggregate classification (germline): Benign/Likely benign. Review status: criteria provided, multiple submitters, no conflicts (2 of 4 stars). 4 submissions from 4 submitters: Benign (1); Likely benign (3). Last evaluated 2024-07-25.

Conditions:
Hereditary cancer-predisposing syndrome. Also called: Neoplastic Syndromes, Hereditary; Tumor predisposition; Hereditary Cancer Syndrome; Hereditary neoplastic syndrome. Identifiers: Orphanet 140162, MedGen C0027672, MeSH D009386, MONDO:0015356.
Familial cancer of breast. Also called: Hereditary breast cancer; hereditary breast carcinoma; BREAST CANCER, FAMILIAL. Identifiers: Orphanet 227535, MedGen C0346153, MONDO:0016419, OMIM 114480. Disease mechanism: loss of function.

gnomAD v4.1: 2 of 1,613,842 alleles (0.00012%); highest among the groups gnomAD compares: Non-Finnish European, 0.00017%; no homozygotes.

Submissions (4):

Myriad Genetics, Inc.
Classification: Benign for Familial cancer of breast. Last evaluated: 2024-07-25. Review status: criteria provided, single submitter. Criteria: Myriad Autosomal Dominant, Autosomal Recessive and X-Linked Classification Criteria (2023). Collection method: clinical testing. Allele origin: unknown.
Comment: This variant is considered benign. This variant is a silent/synonymous amino acid change and it is not expected to impact splicing.

Ambry Genetics
Classification: Likely benign for Hereditary cancer-predisposing syndrome. Last evaluated: 2021-08-18. Review status: criteria provided, single submitter. Criteria: Ambry Variant Classification Scheme 2023. Collection method: clinical testing. Allele origin: germline.

Labcorp Genetics (formerly Invitae), Labcorp
Classification: Likely benign for Familial cancer of breast. Last evaluated: 2017-06-25. Review status: criteria provided, single submitter. Criteria: Invitae Variant Classification Sherloc (09022015). Collection method: clinical testing. Allele origin: germline.

Color Diagnostics, LLC DBA Color Health
Classification: Likely benign for Hereditary cancer-predisposing syndrome. Last evaluated: 2016-11-14. Review status: criteria provided, single submitter. Criteria: ACMG Guidelines, 2015. Collection method: clinical testing. Allele origin: germline.

NM_000465.4(BARD1):c.1350T>C (p.Asn450=)

Gene: BARD1 (BRCA1 associated RING domain 1; minus strand). Cytogenetic location: 2q35.
Variant type: single nucleotide variant.
Coding change: c.1350T>C on transcript NM_000465.4 (MANE Select); coding-DNA position 1350, T replaced by C.
Protein change: p.Asn450=; no amino-acid change (asparagine 450 retained).
Molecular consequence: synonymous variant. On other transcripts: non-coding transcript variant (3), intron variant (3).
Genome position (GRCh38, 1-based): chr2:214,769,277, A>G on the plus strand (T>C on the coding strand, the complement: BARD1 is on the minus strand). VCF-style: chr2-214769277-A-G. GRCh37 (hg19) VCF-style: chr2-215634001-A-G.
Other names: c.1293T>C, p.Asn431= (NM_001282543.2); c.159-16722T>C (NM_001282548.2); c.216-16722T>C (NM_001282545.2); c.364+23020T>C (NM_001282549.2).
Identifiers: ClinVar variation 414114 (VCV000414114.15), dbSNP rs876660753, ClinGen allele CA16610694.